The following is an entry in ClinVar:

ClinVar aggregate classification (germline): Uncertain significance. Review status: criteria provided, multiple submitters, no conflicts (2 of 4 stars). 2 submissions from 2 submitters: Uncertain significance (2). Last evaluated 2025-08-07.

Conditions:
Primary dilated cardiomyopathy (DCM). Also called: Dilated Cardiomyopathy. Identifiers: Orphanet 217604, MedGen C0007193, MeSH D002311, MONDO:0005021, HP:0001644. Inheritance: Various modes of inheritance.
Cardiovascular phenotype. Identifiers: MedGen CN230736.

Allele frequency attached by ClinVar (database versions not stated): gnomAD 0.00001; TOPMed 0.00001; ExAC 0.00002; gnomAD exomes 0.00002.
gnomAD v4.1: 26 of 1,613,236 alleles (0.0016%); highest among the groups gnomAD compares: Non-Finnish European, 0.0022%; no homozygotes.

Submissions (2):

Ambry Genetics
Classification: Uncertain significance for Cardiovascular phenotype. Last evaluated: 2025-08-07. Review status: criteria provided, single submitter. Criteria: Ambry Variant Classification Scheme 2023. Collection method: clinical testing. Allele origin: germline.

Labcorp Genetics (formerly Invitae), Labcorp
Classification: Uncertain significance for Primary dilated cardiomyopathy. Last evaluated: 2023-09-04. Review status: criteria provided, single submitter. Criteria: Invitae Variant Classification Sherloc (09022015). Collection method: clinical testing. Allele origin: germline.
Comment: This variant is present in population databases (rs764621618, gnomAD 0.004%). In summary, the available evidence is currently insufficient to determine the role of this variant in disease. Therefore, it has been classified as a Variant of Uncertain Significance. Algorithms developed to predict the effect of sequence changes on RNA splicing suggest that this variant may create or strengthen a splice site. An algorithm developed to predict the effect of missense changes on protein structure and function (PolyPhen-2) suggests that this variant is likely to be tolerated. ClinVar contains an entry for this variant (Variation ID: 1742079). This variant has not been reported in the literature in individuals affected with TXNRD2-related conditions. This sequence change replaces asparagine, which is neutral and polar, with aspartic acid, which is acidic and polar, at codon 394 of the TXNRD2 protein (p.Asn394Asp).

NM_006440.5(TXNRD2):c.1180A>G (p.Asn394Asp)

Gene: TXNRD2 (thioredoxin reductase 2; minus strand). Cytogenetic location: 22q11.21.
Variant type: single nucleotide variant.
Coding change: c.1180A>G on transcript NM_006440.5 (MANE Select); coding-DNA position 1180, A replaced by G.
Protein change: p.Asn394Asp; replaces asparagine 394 with aspartic acid.
Molecular consequence: missense variant. On other transcripts: non-coding transcript variant (1).
Genome position (GRCh38, 1-based): chr22:19,880,624, T>C on the plus strand (A>G on the coding strand, the complement: TXNRD2 is on the minus strand). VCF-style: chr22-19880624-T-C. GRCh37 (hg19) VCF-style: chr22-19868147-T-C.
Other names: c.1177A>G, p.Asn393Asp (NM_001352300.2); c.1090A>G, p.Asn364Asp (NM_001352301.2); c.892A>G, p.Asn298Asp (NM_001352302.2); short protein forms N393D, N364D, N298D, N394D.
Identifiers: ClinVar variation 1742079 (VCV001742079.8), dbSNP rs764621618, ClinGen allele CA10103770.